The following is an entry in ClinVar:

NM_000460.4(THPO):c.14-92G>A

Gene: THPO (thrombopoietin; minus strand). Cytogenetic location: 3q27.1.
Variant type: single nucleotide variant.
Coding change: c.14-92G>A on transcript NM_000460.4 (MANE Select); 92 bases into the intron before coding-DNA position 14, G replaced by A.
Molecular consequence: intron variant.
Genome position (GRCh38, 1-based): chr3:184,376,107, C>T on the plus strand (G>A on the coding strand, the complement: THPO is on the minus strand). VCF-style: chr3-184376107-C-T. GRCh37 (hg19) VCF-style: chr3-184093895-C-T.
Other names: c.14-92G>A (NM_001290028.1, NM_001290026.1, NM_001290022.1 and 5 more transcripts); c.434-92G>A (NM_001290003.1).
Identifiers: ClinVar variation 4292358 (VCV004292358.1).

ClinVar aggregate classification (germline): Uncertain significance (1 of 4 stars; one submission).

Conditions:
Thrombocytopenia 9 (THC9). Also called: THROMBOCYTOPENIA, AUTOSOMAL DOMINANT, 9. Identifiers: MedGen C5882678, MONDO:0957572, OMIM 620478.

gnomAD v4.1: 1 of 1,610,816 alleles (0.000062%); highest among the groups gnomAD compares: South Asian, 0.0011%; no homozygotes.

Submission:

3billion
Classification: Uncertain significance for Thrombocytopenia 9. Last evaluated: 2025-02-17. Review status: criteria provided, single submitter. Criteria: ACMG Guidelines, 2015. Collection method: clinical testing. Allele origin: germline. Affected: yes.
Comment: The variant is observed at an extremely low frequency in the gnomAD v4.1.0 dataset (total allele frequency: <0.001%). Predicted Consequence/Location: Intron variant Prediction of the variant to alter splicing and produce an abnormal transcript by In silico tools is uncertain[SpliceAI: 0.18 (spliceogenicity >=0.2, non-spliceogenicity <0.1)]. Therefore, this variant is classified as VUS according to the recommendation of ACMG/AMP guideline.